The following is an entry in ClinVar:

ClinVar aggregate classification (germline): Uncertain significance. Review status: criteria provided, multiple submitters, no conflicts (2 of 4 stars). 2 submissions from 2 submitters: Uncertain significance (2). Last evaluated 2025-05-29.

Conditions:
Inborn genetic diseases. Identifiers: MedGen C0950123, MeSH D030342.

Allele frequency attached by ClinVar (database versions not stated): TOPMed 0.00002; gnomAD 0.00003; gnomAD exomes below 0.00001.
gnomAD v4.1: 6 of 1,473,714 alleles (0.00041%); highest among the groups gnomAD compares: African/African-American, 0.0073%; no homozygotes.

Submissions (2):

Ambry Genetics
Classification: Uncertain significance for Inborn genetic diseases. Last evaluated: 2025-05-29. Review status: criteria provided, single submitter. Criteria: Ambry Variant Classification Scheme 2023. Collection method: clinical testing. Allele origin: germline.

Labcorp Genetics (formerly Invitae), Labcorp
Classification: Uncertain significance. Last evaluated: 2022-06-15. Review status: criteria provided, single submitter. Criteria: Invitae Variant Classification Sherloc (09022015). Collection method: clinical testing. Allele origin: germline.
Comment: This sequence change replaces leucine, which is neutral and non-polar, with arginine, which is basic and polar, at codon 111 of the BLOC1S3 protein (p.Leu111Arg). This variant is not present in population databases (gnomAD no frequency). This variant has not been reported in the literature in individuals affected with BLOC1S3-related conditions. Algorithms developed to predict the effect of missense changes on protein structure and function (SIFT, PolyPhen-2, Align-GVGD) all suggest that this variant is likely to be tolerated. In summary, the available evidence is currently insufficient to determine the role of this variant in disease. Therefore, it has been classified as a Variant of Uncertain Significance.

NM_212550.5(BLOC1S3):c.332T>G (p.Leu111Arg)

Gene: BLOC1S3 (biogenesis of lysosomal organelles complex 1 subunit 3; plus strand). Cytogenetic location: 19q13.32.
Variant type: single nucleotide variant.
Coding change: c.332T>G on transcript NM_212550.5 (MANE Select); coding-DNA position 332, T replaced by G.
Protein change: p.Leu111Arg; replaces leucine 111 with arginine.
Molecular consequence: missense variant.
Genome position (GRCh38, 1-based): chr19:45,179,628, T>G. VCF-style: chr19-45179628-T-G. GRCh37 (hg19) VCF-style: chr19-45682886-T-G.
Other names: c.332T>G (NM_212550.3); short protein forms L111R.
Identifiers: ClinVar variation 1948457 (VCV001948457.3), dbSNP rs1009240049, ClinGen allele CA308943305.